The following is an entry in ClinVar:

ClinVar aggregate classification (germline): Benign/Likely benign. Review status: criteria provided, multiple submitters, no conflicts (2 of 4 stars). 3 submissions from 3 submitters: Benign (1); Likely benign (2). Last evaluated 2024-05-07.

Conditions:
Hereditary cancer-predisposing syndrome. Also called: Hereditary Cancer Syndrome; Neoplastic Syndromes, Hereditary; Hereditary neoplastic syndrome; Tumor predisposition. Identifiers: Orphanet 140162, MedGen C0027672, MeSH D009386, MONDO:0015356.
Ataxia-telangiectasia syndrome (AT). Also called: Cerebello-oculocutaneous telangiectasia; Immunodeficiency with ataxia telangiectasia; Ataxia-telangiectasia, complementation group E; Ataxia-telangiectasia, complementation group D; AT, COMPLEMENTATION GROUP C; ATAXIA-TELANGIECTASIA, COMPLEMENTATION GROUP A. Identifiers: Orphanet 100, MedGen C0004135, MONDO:0008840, OMIM 208900.
Familial cancer of breast. Also called: Hereditary breast cancer; hereditary breast carcinoma; BREAST CANCER, FAMILIAL. Identifiers: Orphanet 227535, MedGen C0346153, MONDO:0016419, OMIM 114480. Disease mechanism: loss of function.

Submissions (3):

Myriad Genetics, Inc.
Classification: Benign for Familial cancer of breast. Last evaluated: 2024-05-07. Review status: criteria provided, single submitter. Criteria: Myriad Autosomal Dominant, Autosomal Recessive and X-Linked Classification Criteria (2023). Collection method: clinical testing. Allele origin: unknown.
Comment: This variant is considered benign. This variant is a silent/synonymous amino acid change and it is not expected to impact splicing.

Labcorp Genetics (formerly Invitae), Labcorp
Classification: Likely benign for Ataxia-telangiectasia syndrome. Last evaluated: 2021-08-31. Review status: criteria provided, single submitter. Criteria: Invitae Variant Classification Sherloc (09022015). Collection method: clinical testing. Allele origin: germline.

Ambry Genetics
Classification: Likely benign for Hereditary cancer-predisposing syndrome. Last evaluated: 2018-08-01. Review status: criteria provided, single submitter. Criteria: Ambry Variant Classification Scheme 2023. Collection method: clinical testing. Allele origin: germline.

NM_000051.4(ATM):c.2157A>G (p.Ser719=)

Gene: ATM (ATM serine/threonine kinase; plus strand). Cytogenetic location: 11q22.3.
Variant type: single nucleotide variant.
Coding change: c.2157A>G on transcript NM_000051.4 (MANE Select); coding-DNA position 2157, A replaced by G.
Protein change: p.Ser719=; no amino-acid change (serine 719 retained).
Molecular consequence: synonymous variant.
Genome position (GRCh38, 1-based): chr11:108,256,247, A>G. VCF-style: chr11-108256247-A-G. GRCh37 (hg19) VCF-style: chr11-108126974-A-G.
Other names: c.2157A>G, p.Ser719= (NM_001351834.2).
Identifiers: ClinVar variation 820810 (VCV000820810.13), dbSNP rs1591542014, ClinGen allele CA476672500.
Genomic context (GRCh38, chr11:108,256,247, plus strand): 5'-TATATTTTTATTTGTGGTTTACTTTAAGATTACAAATTCAGAAACTCTTGTCCGGTGTTC[A>G]CGTCTTTTGGTGGGTGTCCTTGGCTGCTACTGTTACATGGGTGTAATAGCTGAAGAGGAA-3'
Protein context (NP_000042.3, residues 709-729): ITNSETLVRC[Ser719=]RLLVGVLGCY